The following is an entry in ClinVar:

NM_001324144.2(ZNF41):c.1649C>G (p.Pro550Arg)

Gene: ZNF41 (zinc finger protein 41; minus strand). Cytogenetic location: Xp11.3.
Variant type: single nucleotide variant.
Coding change: c.1649C>G on transcript NM_001324144.2 (MANE Select); coding-DNA position 1649, C replaced by G.
Protein change: p.Pro550Arg; replaces proline 550 with arginine.
Molecular consequence: missense variant.
Genome position (GRCh38, 1-based): chrX:47,448,121, G>C on the plus strand (C>G on the coding strand, the complement: ZNF41 is on the minus strand). VCF-style: chrX-47448121-G-C. GRCh37 (hg19) VCF-style: chrX-47307520-G-C.
Other names: c.1679C>G, p.Pro560Arg (NM_001324153.2, NM_001324151.2); c.1751C>G, p.Pro584Arg (NM_001324154.1); c.1775C>G, p.Pro592Arg (NM_001324155.1); c.1547C>G, p.Pro516Arg (NM_001324156.1); c.1541C>G, p.Pro514Arg (NM_001324157.1); c.1649C>G, p.Pro550Arg (NM_007130.4, NM_153380.3, NM_001324140.2 and 2 more transcripts); c.1391C>G, p.Pro464Arg (NM_001324139.2, NM_001324141.2, NM_001324143.2 and 3 more transcripts); c.1655C>G, p.Pro552Arg (NM_001324142.2, NM_001324148.2); short protein forms P464R, P514R, P516R, P550R, P552R, P560R, P584R, P592R.
Identifiers: ClinVar variation 3771990 (VCV003771990.13).
Genomic context (GRCh38, chrX:47,448,121, plus strand): 5'-TGATGTATTTTGAGGCGCGACTTCCATATGAAGGCTTTTCCACAGCCATTGCACTTATAG[G>C]GTTTCTCTCCAGTGTGAGTTTTCTGGTGTTTAATGAGATTTGACTGGTCAGTAAAAGCCT-3'
Protein context (NP_001311073.1, residues 540-560): KHQKTHTGEK[Pro550Arg]YKCNGCGKAF

ClinVar aggregate classification (germline): Uncertain significance (1 of 4 stars; one submission).

Submission:

CeGaT Center for Human Genetics Tuebingen
Classification: Uncertain significance. Last evaluated: 2024-12-01. Review status: criteria provided, single submitter. Criteria: CeGaT Center For Human Genetics Tuebingen Variant Classification Criteria Version 2. Collection method: clinical testing. Allele origin: germline. Affected: yes. Observed: 1 variant allele.
Comment: ZNF41: PM2